The following is an entry in ClinVar:

NM_007294.4(BRCA1):c.81-9C>A

Gene: BRCA1 (BRCA1 DNA repair associated; minus strand). Cytogenetic location: 17q21.31.
Variant type: single nucleotide variant.
Coding change: c.81-9C>A on transcript NM_007294.4 (MANE Select); 9 bases into the intron before coding-DNA position 81, C replaced by A.
Molecular consequence: intron variant.
Genome position (GRCh38, 1-based): chr17:43,115,788, G>T on the plus strand (C>A on the coding strand, the complement: BRCA1 is on the minus strand). VCF-style: chr17-43115788-G-T. GRCh37 (hg19) VCF-style: chr17-41267805-G-T.
Other names: c.-61-9C>A (NM_001408458.1, NM_001408470.1, NM_001407848.1 and 47 more transcripts); c.-219+9489C>A (NM_001407967.1); c.-170+9489C>A (NM_001407959.1); c.-7-9255C>A (NM_001407931.1, NM_001407747.1, NM_001408511.1 and 2 more transcripts); c.-223-9C>A (NM_001407962.1, NM_001408512.1, NM_001408510.1 and 1 more transcripts); c.-108-9C>A (NM_001407885.1, NM_001407886.1, NM_001408509.1 and 52 more transcripts); c.-177-9C>A (NM_001407746.1, NM_001408468.1, NM_001407842.1 and 13 more transcripts); c.-8+8229C>A (NM_001408461.1, NM_001407738.1, NM_001407932.1 and 23 more transcripts); and 10 more.
Identifiers: ClinVar variation 568184 (VCV000568184.14), dbSNP rs80358127, ClinGen allele CA891843739.

ClinVar aggregate classification (germline): Likely benign (1 of 4 stars; one submission).

Conditions:
Hereditary breast ovarian cancer syndrome. Also called: Hereditary breast and ovarian cancer; Hereditary breast and ovarian cancer syndrome; Hereditary breast and ovarian cancer syndrome (HBOC); Breast and ovarian cancer; BRCA1- and BRCA2-Associated Hereditary Breast and Ovarian Cancer; Hereditary breast and/or ovarian cancer syndrome. Identifiers: Orphanet 145, MedGen C0677776, MeSH D061325, MONDO:0003582. Disease mechanism: loss of function.

Submissions (2):

Labcorp Genetics (formerly Invitae), Labcorp
Classification: Likely benign for Hereditary breast ovarian cancer syndrome. Last evaluated: 2019-03-11. Review status: criteria provided, single submitter. Criteria: Invitae Variant Classification Sherloc (09022015). Collection method: clinical testing. Allele origin: germline.

Brotman Baty Institute, University of Washington
No classification provided (evidence only). Condition: Breast-ovarian cancer, familial 1. Review status: no classification provided. Collection method: in vitro. Allele origin: not applicable. Functional consequence: functionally_normal. Not counted in ClinVar's aggregate classification.
ClinVar note: "not provided" was previously submitted as the classification for the variant. However, the classification appeared to be based only on an observation of functional data so it was converted to no classification on 2025-07-30.